The following is an entry in ClinVar:

ClinVar aggregate classification (germline): Uncertain significance. Review status: criteria provided, multiple submitters, no conflicts (2 of 4 stars). 2 submissions from 2 submitters: Uncertain significance (2). Last evaluated 2026-03-18.

Conditions:
Inborn genetic diseases. Identifiers: MedGen C0950123, MeSH D030342.

gnomAD v4.1: 5 of 1,582,268 alleles (0.00032%); highest among the groups gnomAD compares: Non-Finnish European, 0.00034%; no homozygotes.

Submissions (2):

Women's Health and Genetics/Laboratory Corporation of America, LabCorp
Classification: Uncertain significance. Last evaluated: 2026-03-18. Review status: criteria provided, single submitter. Criteria: LabCorp Variant Classification Summary - May 2015. Collection method: clinical testing. Allele origin: germline.
Comment: Variant summary: NAA15 c.817A>G (p.Met273Val) results in a conservative amino acid change in the encoded protein sequence. Algorithms developed to predict the effect of missense changes on protein structure and function are either unavailable or do not agree on the potential impact of this missense change. The variant allele was found at a frequency of 4.1e-06 in 242592 control chromosomes. The available data on variant occurrences in the general population are insufficient to allow any conclusion about variant significance. To our knowledge, no occurrence of c.817A>G in individuals affected with NAA15-related conditions and no experimental evidence demonstrating its impact on protein function have been reported. ClinVar contains an entry for this variant (Variation ID: 4625718). Based on the evidence outlined above, the variant was classified as uncertain significance.

Ambry Genetics
Classification: Uncertain significance for Inborn genetic diseases. Last evaluated: 2025-12-03. Review status: criteria provided, single submitter. Criteria: Ambry Variant Classification Scheme 2023. Collection method: clinical testing. Allele origin: germline.

NM_057175.5(NAA15):c.817A>G (p.Met273Val)

Gene: NAA15 (N-alpha-acetyltransferase 15, NatA auxiliary subunit; plus strand). Cytogenetic location: 4q31.1.
Variant type: single nucleotide variant.
Coding change: c.817A>G on transcript NM_057175.5 (MANE Select); coding-DNA position 817, A replaced by G.
Protein change: p.Met273Val; replaces methionine 273 with valine.
Molecular consequence: missense variant.
Genome position (GRCh38, 1-based): chr4:139,351,196, A>G. VCF-style: chr4-139351196-A-G. GRCh37 (hg19) VCF-style: chr4-140272350-A-G.
Other names: c.817A>G, p.Met273Val (NM_001410842.1); short protein forms M273V.
Identifiers: ClinVar variation 4625718 (VCV004625718.2).